The following is an entry in ClinVar:

NM_001972.4(ELANE):c.687del (p.Asp230fs)

Gene: ELANE (elastase, neutrophil expressed; plus strand). Cytogenetic location: 19p13.3.
Variant type: Deletion.
Coding change: c.687del on transcript NM_001972.4 (MANE Select); coding-DNA position 687, one base deleted (C; older notation c.687delC).
Protein change: p.Asp230fs; shifts the reading frame from aspartic acid 230.
Molecular consequence: frameshift variant.
Genome position (GRCh38, 1-based): chr19:856,047, C deleted; the last of 4 consecutive C bases (chr19:856,044-856,047); deleting any one gives the same sequence. VCF-style (leftmost placement, unchanged base first): chr19-856043-AC-A. GRCh37 (hg19) VCF-style: chr19-856043-AC-A.
Other names: short protein forms D230fs.
Identifiers: ClinVar variation 1069598 (VCV001069598.11), dbSNP rs2145149748, ClinGen allele CA2499225650.

ClinVar aggregate classification (germline): Pathogenic (1 of 4 stars; one submission).

Conditions:
Neutropenia, severe congenital, 1, autosomal dominant. Identifiers: MedGen C1859966, MONDO:0042490, OMIM 202700.
Cyclical neutropenia. Also called: Cyclic Neutropenia; Cyclic hematopoiesis. Identifiers: Orphanet 2686, MedGen C0221023, MONDO:0008090, OMIM 162800, HP:0040289. Disease mechanism: loss of function.

Submission:

Labcorp Genetics (formerly Invitae), Labcorp
Classification: Pathogenic for Neutropenia, severe congenital, 1, autosomal dominant; Cyclical neutropenia. Last evaluated: 2022-02-19. Review status: criteria provided, single submitter. Criteria: Invitae Variant Classification Sherloc (09022015). Collection method: clinical testing. Allele origin: germline.
Comment: For these reasons, this variant has been classified as Pathogenic. ClinVar contains an entry for this variant (Variation ID: 1069598). This variant is also known as 4971delC, P200fsX210 or delC16324. This premature translational stop signal has been observed in individual(s) with neutropenia (PMID: 11001877, 14962902; Invitae). In at least one individual the variant was observed to be de novo. This variant is not present in population databases (gnomAD no frequency). This sequence change creates a premature translational stop signal (p.Asp230Metfs*10) in the ELANE gene. While this is not anticipated to result in nonsense mediated decay, it is expected to disrupt the last 38 amino acid(s) of the ELANE protein.

Literature cited by the submitters: PubMed 11001877; PubMed 14962902.